The following is an entry in ClinVar:

NM_003283.6(TNNT1):c.792-6C>G

Gene: TNNT1 (troponin T1, slow skeletal type; minus strand). Cytogenetic location: 19q13.42.
Variant type: single nucleotide variant.
Coding change: c.792-6C>G on transcript NM_003283.6 (MANE Select); 6 bases into the intron before coding-DNA position 792, C replaced by G.
Molecular consequence: intron variant.
Genome position (GRCh38, 1-based): chr19:55,132,966, G>C on the plus strand (C>G on the coding strand, the complement: TNNT1 is on the minus strand). VCF-style: chr19-55132966-G-C. GRCh37 (hg19) VCF-style: chr19-55644334-G-C.
Other names: c.711-6C>G (NM_001126133.3, NM_001291774.2); c.744-6C>G (NM_001126132.3).
Identifiers: ClinVar variation 1902178 (VCV001902178.5), dbSNP rs753081977, ClinGen allele CA9667219.
Genomic context (GRCh38, chr19:55,132,966, plus strand): 5'-GCGGCATCCTCACTTCCAGCGGCCTCCAACGCGGCCCTTCCCTGCCCCCTTCCGGCTGTA[G>C]AAGAATGAGGTGGTATCAGGAAAAAGGGGCCCCTCCAGTCTCTGAAATGGGCCCCAGGCC-3'

ClinVar aggregate classification (germline): Uncertain significance (1 of 4 stars; one submission).

Conditions:
Nemaline myopathy 5 (NEM5A). Also called: Nemaline myopathy 5, Amish type; NEMALINE MYOPATHY, AMISH TYPE; NEMALINE MYOPATHY 5A, AUTOSOMAL RECESSIVE, SEVERE INFANTILE. Identifiers: Orphanet 98902, MedGen C1854380, MONDO:0011539, OMIM 605355.

Allele frequency attached by ClinVar (database versions not stated): gnomAD exomes 0.00001; ExAC 0.00005.
gnomAD v4.1: 19 of 1,599,326 alleles (0.0012%); highest among the groups gnomAD compares: Non-Finnish European, 0.0013%; no homozygotes.

Submission:

Labcorp Genetics (formerly Invitae), Labcorp
Classification: Uncertain significance for Nemaline myopathy 5. Last evaluated: 2022-07-29. Review status: criteria provided, single submitter. Criteria: Invitae Variant Classification Sherloc (09022015). Collection method: clinical testing. Allele origin: germline.
Comment: This sequence change falls in intron 13 of the TNNT1 gene. It does not directly change the encoded amino acid sequence of the TNNT1 protein. The frequency data for this variant in the population databases is considered unreliable, as metrics indicate poor data quality at this position in the gnomAD database. This variant has not been reported in the literature in individuals affected with TNNT1-related conditions. Algorithms developed to predict the effect of sequence changes on RNA splicing suggest that this variant may disrupt the consensus splice site. In summary, the available evidence is currently insufficient to determine the role of this variant in disease. Therefore, it has been classified as a Variant of Uncertain Significance.